The following is an entry in ClinVar:

NM_000168.6(GLI3):c.2584C>T (p.Arg862Cys)

Gene: GLI3 (GLI family zinc finger 3; minus strand). Cytogenetic location: 7p14.1.
Variant type: single nucleotide variant.
Coding change: c.2584C>T on transcript NM_000168.6 (MANE Select); coding-DNA position 2584, C replaced by T.
Protein change: p.Arg862Cys; replaces arginine 862 with cysteine.
Molecular consequence: missense variant.
Genome position (GRCh38, 1-based): chr7:41,966,489, G>A on the plus strand (C>T on the coding strand, the complement: GLI3 is on the minus strand). VCF-style: chr7-41966489-G-A. GRCh37 (hg19) VCF-style: chr7-42006087-G-A.
Other names: short protein forms R862C.
Identifiers: ClinVar variation 2635435 (VCV002635435.1), dbSNP rs1787188419, ClinGen allele CA367320773.

ClinVar aggregate classification (germline): Uncertain significance (1 of 4 stars; one submission).

Conditions:
GLI3-related disorder. Also called: GLI3-related condition; GLI3-related disorders. Identifiers: MedGen CN239292.

Allele frequency attached by ClinVar (database versions not stated): gnomAD exomes below 0.00001; TOPMed below 0.00001.
gnomAD v4.1: 2 of 1,613,224 alleles (0.00012%); highest among the groups gnomAD compares: Non-Finnish European, 0.00017%; no homozygotes.

Submission:

PreventionGenetics, part of Exact Sciences
Classification: Uncertain significance for GLI3-related condition. Last evaluated: 2022-10-28. Review status: criteria provided, single submitter. Criteria: ACMG Guidelines, 2015. Collection method: clinical testing. Allele origin: germline.
Comment: The GLI3 c.2584C>T variant is predicted to result in the amino acid substitution p.Arg862Cys. To our knowledge, this variant has not been reported in the literature or in a large population database, indicating this variant is rare. At this time, the clinical significance of this variant is uncertain due to the absence of conclusive functional and genetic evidence.